The following is an entry in ClinVar:

ClinVar aggregate classification (germline): Uncertain significance. Review status: criteria provided, multiple submitters, no conflicts (2 of 4 stars). 5 submissions from 5 submitters: Uncertain significance (5). Last evaluated 2024-02-03.

Conditions:
Hereditary cancer-predisposing syndrome. Also called: Hereditary neoplastic syndrome; Neoplastic Syndromes, Hereditary; Tumor predisposition; Hereditary Cancer Syndrome. Identifiers: Orphanet 140162, MedGen C0027672, MeSH D009386, MONDO:0015356.
Microcephaly, normal intelligence and immunodeficiency (NBS). Also called: IMMUNODEFICIENCY, MICROCEPHALY, AND CHROMOSOMAL INSTABILITY; SEEMANOVA SYNDROME II; Nijmegen breakage syndrome; Microcephaly with normal intelligence immunodeficiency and lymphoreticular malignancies; Nonsyndromal microcephaly autosomal recessive with normal intelligence; Seemanova syndrome 2. Identifiers: Orphanet 647, MedGen C0398791, MONDO:0009623, OMIM 251260.
Aplastic anemia. Identifiers: Orphanet 182040, Orphanet 88, MedGen C0002874, MONDO:0015909, OMIM 609135, HP:0001915.
Acute lymphoid leukemia (ALL). Also called: Acute lymphoblastic leukemia; Acute lymphocytic leukemia; Leukemia, acute lymphoblastic, somatic; Lymphoblastic leukemia. Identifiers: Orphanet 513, MedGen C0023449, MONDO:0004967, OMIM 613065, HP:0006721.

Allele frequency attached by ClinVar (database versions not stated): gnomAD exomes below 0.00001; TOPMed 0.00001.
gnomAD v4.1: 1 of 1,613,776 alleles (0.000062%); highest among the groups gnomAD compares: African/African-American, 0.0013%; no homozygotes.

Submissions (5):

Ambry Genetics
Classification: Uncertain significance for Hereditary cancer-predisposing syndrome. Last evaluated: 2024-02-03. Review status: criteria provided, single submitter. Criteria: Ambry Variant Classification Scheme 2023. Collection method: clinical testing. Allele origin: germline.
Comment: The p.V243L variant (also known as c.727G>C), located in coding exon 7 of the NBN gene, results from a G to C substitution at nucleotide position 727. The valine at codon 243 is replaced by leucine, an amino acid with highly similar properties. This amino acid position is not well conserved in available vertebrate species. In addition, this alteration is predicted to be tolerated by in silico analysis. Since supporting evidence is limited at this time, the clinical significance of this alteration remains unclear.

Labcorp Genetics (formerly Invitae), Labcorp
Classification: Uncertain significance for Microcephaly, normal intelligence and immunodeficiency. Last evaluated: 2023-05-30. Review status: criteria provided, single submitter. Criteria: Invitae Variant Classification Sherloc (09022015). Collection method: clinical testing. Allele origin: germline.
Comment: This variant is present in population databases (no rsID available, gnomAD 0.007%). In summary, the available evidence is currently insufficient to determine the role of this variant in disease. Therefore, it has been classified as a Variant of Uncertain Significance. Algorithms developed to predict the effect of missense changes on protein structure and function output the following: SIFT: "Not Available"; PolyPhen-2: "Benign"; Align-GVGD: "Not Available". The leucine amino acid residue is found in multiple mammalian species, which suggests that this missense change does not adversely affect protein function. ClinVar contains an entry for this variant (Variation ID: 461578). This variant has not been reported in the literature in individuals affected with NBN-related conditions. This sequence change replaces valine, which is neutral and non-polar, with leucine, which is neutral and non-polar, at codon 243 of the NBN protein (p.Val243Leu).

Sema4
Classification: Uncertain significance for Hereditary cancer-predisposing syndrome. Last evaluated: 2021-11-23. Review status: criteria provided, single submitter. Criteria: Sema4 Curation Guidelines. Collection method: curation. Allele origin: germline.
Comment: To the best of our knowledge, the NBN c.727G>C (p.V243L) variant has not been reported in individuals with NBN-related disease. This variant was observed in 1/250914 chromosomes in the large and broad cohorts of the Genome Aggregation Database (PMID: 32461654). This variant has been reported in ClinVar (Variation ID: 461578). In silico tools suggest the impact of the variant on protein function is benign, though these predictions have not been confirmed by functional studies. The evidence is insufficient to meet ACMG/AMP criteria for classifying the variant as benign or pathogenic. Thus, the clinical significance of this variant is currently uncertain.

Genome-Nilou Lab
Classification: Uncertain significance for Microcephaly, normal intelligence and immunodeficiency. Last evaluated: 2021-11-07. Review status: criteria provided, single submitter. Criteria: ACMG Guidelines, 2015. Collection method: clinical testing. Allele origin: germline. Affected: no.

Fulgent Genetics
Classification: Uncertain significance for Microcephaly, normal intelligence and immunodeficiency; Aplastic anemia; Acute lymphoid leukemia. Last evaluated: 2021-07-14. Review status: criteria provided, single submitter. Criteria: ACMG Guidelines, 2015. Collection method: clinical testing. Allele origin: unknown.

NM_002485.5(NBN):c.727G>C (p.Val243Leu)

Gene: NBN (nibrin; minus strand). Cytogenetic location: 8q21.3.
Variant type: single nucleotide variant.
Coding change: c.727G>C on transcript NM_002485.5 (MANE Select); coding-DNA position 727, G replaced by C.
Protein change: p.Val243Leu; replaces valine 243 with leucine.
Molecular consequence: missense variant.
Genome position (GRCh38, 1-based): chr8:89,970,533, C>G on the plus strand (G>C on the coding strand, the complement: NBN is on the minus strand). VCF-style: chr8-89970533-C-G. GRCh37 (hg19) VCF-style: chr8-90982761-C-G.
Other names: c.481G>C, p.Val161Leu (NM_001024688.3); short protein forms V243L, V161L.
Identifiers: ClinVar variation 461578 (VCV000461578.18), dbSNP rs786203253, ClinGen allele CA371658850.